The following is an entry in ClinVar:

ClinVar aggregate classification (germline): Uncertain significance. Review status: criteria provided, multiple submitters, no conflicts (2 of 4 stars). 2 submissions from 2 submitters: Uncertain significance (2). Last evaluated 2022-09-19.

Conditions:
ANKRD1-related dilated cardiomyopathy. Identifiers: MedGen CN119551.

Allele frequency attached by ClinVar (database versions not stated): gnomAD exomes below 0.00001.
gnomAD v4.1: 5 of 1,614,088 alleles (0.00031%); highest among the groups gnomAD compares: Non-Finnish European, 0.00042%; no homozygotes.

Submissions (2):

Labcorp Genetics (formerly Invitae), Labcorp
Classification: Uncertain significance for ANKRD1-related dilated cardiomyopathy. Last evaluated: 2022-09-19. Review status: criteria provided, single submitter. Criteria: Invitae Variant Classification Sherloc (09022015). Collection method: clinical testing. Allele origin: germline.
Comment: In summary, the available evidence is currently insufficient to determine the role of this variant in disease. Therefore, it has been classified as a Variant of Uncertain Significance. Advanced modeling of protein sequence and biophysical properties (such as structural, functional, and spatial information, amino acid conservation, physicochemical variation, residue mobility, and thermodynamic stability) performed at Invitae indicates that this missense variant is not expected to disrupt ANKRD1 protein function. This sequence change replaces threonine, which is neutral and polar, with isoleucine, which is neutral and non-polar, at codon 47 of the ANKRD1 protein (p.Thr47Ile). This variant is not present in population databases (gnomAD no frequency). This variant has not been reported in the literature in individuals affected with ANKRD1-related conditions. ClinVar contains an entry for this variant (Variation ID: 162751).

Laboratory for Molecular Medicine, Mass General Brigham Personalized Medicine
Classification: Uncertain significance. Last evaluated: 2013-07-08. Review status: criteria provided, single submitter. Criteria: LMM Criteria. Collection method: clinical testing. Allele origin: germline. Observed: 1 variant allele.
Comment: The Thr47Ile variant in ANKRD1 has not been reported in individuals with cardiom yopathy or in large population studies. Computational analyses (biochemical amin o acid properties, conservation, AlignGVGD, PolyPhen2, and SIFT) do not provide strong support for or against an impact to the protein. Additional information i s needed to fully assess the clinical significance of the Thr47Ile variant.

NM_014391.3(ANKRD1):c.140C>T (p.Thr47Ile)

Gene: ANKRD1 (ankyrin repeat domain 1; minus strand). Cytogenetic location: 10q23.31.
Variant type: single nucleotide variant.
Coding change: c.140C>T on transcript NM_014391.3 (MANE Select); coding-DNA position 140, C replaced by T.
Protein change: p.Thr47Ile; replaces threonine 47 with isoleucine.
Molecular consequence: missense variant.
Genome position (GRCh38, 1-based): chr10:90,920,236, G>A on the plus strand (C>T on the coding strand, the complement: ANKRD1 is on the minus strand). VCF-style: chr10-90920236-G-A. GRCh37 (hg19) VCF-style: chr10-92679993-G-A.
Other names: short protein forms T47I.
Identifiers: ClinVar variation 162751 (VCV000162751.14), dbSNP rs727502891, ClinGen allele CA175253.